The following is an entry in ClinVar:

ClinVar aggregate classification (germline): Pathogenic (1 of 4 stars; one submission).

Conditions:
Curry-Hall syndrome (WAD). Also called: WEYERS ACRODENTAL DYSOSTOSIS. Identifiers: Orphanet 952, MedGen C0457013, MONDO:0008673, OMIM 193530.
Ellis-van Creveld syndrome (EVC). Also called: EVC-Related Ellis-van Creveld Syndrome; EVC2-Related Ellis-van Creveld Syndrome; MESOECTODERMAL DYSPLASIA; Chondroectodermal dysplasia. Identifiers: Orphanet 289, MedGen C0013903, MONDO:0009162, OMIM 225500.

Submission:

Labcorp Genetics (formerly Invitae), Labcorp
Classification: Pathogenic for Curry-Hall syndrome; Ellis-van Creveld syndrome. Last evaluated: 2024-03-13. Review status: criteria provided, single submitter. Criteria: Invitae Variant Classification Sherloc (09022015). Collection method: clinical testing. Allele origin: germline.
Comment: This sequence change creates a premature translational stop signal (p.Leu44Profs*29) in the EVC gene. It is expected to result in an absent or disrupted protein product. Loss-of-function variants in EVC are known to be pathogenic (PMID: 23220543). This variant is not present in population databases (gnomAD no frequency). This variant has not been reported in the literature in individuals affected with EVC-related conditions. For these reasons, this variant has been classified as Pathogenic.

Literature cited by the submitters: PubMed 23220543.

NM_153717.3(EVC):c.130dup (p.Leu44fs)

Gene: EVC (EvC ciliary complex subunit 1; plus strand). Cytogenetic location: 4p16.2.
Variant type: Duplication.
Coding change: c.130dup on transcript NM_153717.3 (MANE Select); coding-DNA position 130, one base duplicated (C; older notation c.130dupC).
Protein change: p.Leu44fs; shifts the reading frame from leucine 44.
Molecular consequence: frameshift variant.
Genome position (GRCh38, 1-based): chr4:5,711,510, C duplicated; the last of 2 consecutive C bases (chr4:5,711,509-5,711,510); duplicating either gives the same sequence. VCF-style (leftmost placement, unchanged base first): chr4-5711508-G-GC. GRCh37 (hg19) VCF-style: chr4-5713235-G-GC.
Other names: c.130dup, p.Leu44fs (NM_001306090.2, NM_001306092.2); short protein forms L44fs.
Identifiers: ClinVar variation 3755134 (VCV003755134.2).